The following is an entry in ClinVar:

ClinVar aggregate classification (germline): Uncertain significance. Review status: criteria provided, multiple submitters, no conflicts (2 of 4 stars). 2 submissions from 2 submitters: Uncertain significance (2). Last evaluated 2025-07-14.

Conditions:
Symmetrical dyschromatosis of extremities (DSH). Also called: RETICULATE ACROPIGMENTATION OF DOHI; SYMMETRIC DYSCHROMATOSIS OF THE EXTREMITIES; Dyschromatosis symmetrica hereditaria; DYSCHROMATOSIS SYMMETRICA HEREDITARIA 1. Identifiers: Orphanet 41, MedGen C0406775, MONDO:0007483, OMIM 127400.
Aicardi-Goutieres syndrome 6 (AGS6). Identifiers: Orphanet 51, MedGen C3539013, MONDO:0014007, OMIM 615010.

Submissions (2):

Labcorp Genetics (formerly Invitae), Labcorp
Classification: Uncertain significance for Aicardi-Goutieres syndrome 6; Symmetrical dyschromatosis of extremities. Last evaluated: 2025-07-14. Review status: criteria provided, single submitter. Criteria: Invitae Variant Classification Sherloc (09022015). Collection method: clinical testing. Allele origin: germline.
Comment: This sequence change replaces serine, which is neutral and polar, with glycine, which is neutral and non-polar, at codon 484 of the ADAR protein (p.Ser484Gly). This variant is not present in population databases (gnomAD no frequency). This variant has not been reported in the literature in individuals affected with ADAR-related conditions. ClinVar contains an entry for this variant (Variation ID: 292776). Invitae Evidence Modeling of protein sequence and biophysical properties (such as structural, functional, and spatial information, amino acid conservation, physicochemical variation, residue mobility, and thermodynamic stability) indicates that this missense variant is not expected to disrupt ADAR protein function with a negative predictive value of 80%. In summary, the available evidence is currently insufficient to determine the role of this variant in disease. Therefore, it has been classified as a Variant of Uncertain Significance.

Illumina Laboratory Services, Illumina
Classification: Uncertain significance for Symmetrical dyschromatosis of extremities. Last evaluated: 2018-01-13. Review status: criteria provided, single submitter. Criteria: ICSL Variant Classification Criteria 13 December 2019. Collection method: clinical testing. Allele origin: germline.

NM_001111.5(ADAR):c.1450A>G (p.Ser484Gly)

Gene: ADAR (adenosine deaminase RNA specific; minus strand). Cytogenetic location: 1q21.3.
Variant type: single nucleotide variant.
Coding change: c.1450A>G on transcript NM_001111.5 (MANE Select); coding-DNA position 1450, A replaced by G.
Protein change: p.Ser484Gly; replaces serine 484 with glycine.
Molecular consequence: missense variant.
Genome position (GRCh38, 1-based): chr1:154,601,192, T>C on the plus strand (A>G on the coding strand, the complement: ADAR is on the minus strand). VCF-style: chr1-154601192-T-C. GRCh37 (hg19) VCF-style: chr1-154573668-T-C.
Other names: c.1450A>G, p.Ser484Gly (LRG_1212t1, NM_015840.4, NM_015841.4); c.565A>G, p.Ser189Gly (NM_001025107.3, NM_001193495.2, NM_001365046.1 and 3 more transcripts); c.1477A>G, p.Ser493Gly (NM_001365045.1); short protein forms S484G, S189G, S493G.
Identifiers: ClinVar variation 292776 (VCV000292776.8), dbSNP rs886045342, ClinGen allele CA10608307.